The following is an entry in ClinVar:

ClinVar aggregate classification (germline): Benign/Likely benign. Review status: criteria provided, multiple submitters, no conflicts (2 of 4 stars). 7 submissions from 7 submitters: Benign (1); Likely benign (4). 2 of the submissions do not count toward it. Last evaluated 2026-02-03.

Conditions:
History of neurodevelopmental disorder. Identifiers: MedGen C2711754.
Epilepsy, X-linked 1, with variable learning disabilities and behavior disorders. Also called: X-linked epilepsy-learning disabilities-behavior disorders syndrome. Identifiers: Orphanet 85294, MedGen C5774177, MONDO:0010339, OMIM 300491.

Allele frequency attached by ClinVar (database versions not stated): ESP Exome Variant Server 0.00038; TOPMed 0.00043; gnomAD 0.00054 and 0.00067; 1000 Genomes Project 30x 0.00104; 1000 Genomes Project 0.00106; gnomAD exomes 0.00116 and 0.00122; ExAC 0.00128.
gnomAD v4.1: 1,363 of 1,209,945 alleles (0.11%); highest among the groups gnomAD compares: South Asian, 0.92%; 6 homozygotes.

Submissions (7):

Labcorp Genetics (formerly Invitae), Labcorp
Classification: Benign for Epilepsy, X-linked 1, with variable learning disabilities and behavior disorders. Last evaluated: 2026-02-03. Review status: criteria provided, single submitter. Criteria: Invitae Variant Classification Sherloc (09022015). Collection method: clinical testing. Allele origin: germline.

Blueprint Genetics
Classification: Likely benign. Last evaluated: 2024-11-28. Review status: criteria provided, single submitter. Criteria: ACMG Guidelines, 2015. Collection method: clinical testing. Allele origin: germline.

Genetic Services Laboratory, University of Chicago
Classification: Likely benign. Last evaluated: 2018-06-05. Review status: criteria provided, single submitter. Criteria: ACMG Guidelines, 2015. Collection method: clinical testing. Allele origin: germline. Affected: no.

Ambry Genetics
Classification: Likely benign for History of neurodevelopmental disorder. Last evaluated: 2016-05-31. Review status: criteria provided, single submitter. Criteria: Ambry Autosomal Dominant and X-Linked criteria (10/2015). Collection method: clinical testing. Allele origin: germline. Observed: 1 variant allele.
Comment: Synonymous alterations with insufficient evidence to classify as benign

GeneDx
Classification: Likely benign. Last evaluated: 2015-05-20. Review status: criteria provided, single submitter. Criteria: GeneDx Variant Classification (06012015). Collection method: clinical testing. Allele origin: germline. Affected: yes.
Comment: This variant is considered likely benign or benign based on one or more of the following criteria: it is a conservative change, it occurs at a poorly conserved position in the protein, it is predicted to be benign by multiple in silico algorithms, and/or has population frequency not consistent with disease.

Clinical Genetics DNA and cytogenetics Diagnostics Lab, Erasmus MC, Erasmus Medical Center
Classification: Likely benign. Review status: no assertion criteria provided. Collection method: clinical testing. Allele origin: germline. Affected: yes. Study: VKGL Data-share Consensus. Not counted in ClinVar's aggregate classification.

Genome Diagnostics Laboratory, University Medical Center Utrecht
Classification: Likely benign. Review status: no assertion criteria provided. Collection method: clinical testing. Allele origin: germline. Affected: yes. Study: VKGL Data-share Consensus. Not counted in ClinVar's aggregate classification.

NM_006950.3(SYN1):c.426A>G (p.Lys142=)

Gene: SYN1 (synapsin I; minus strand). Cytogenetic location: Xp11.23.
Variant type: single nucleotide variant.
Coding change: c.426A>G on transcript NM_006950.3 (MANE Select); coding-DNA position 426, A replaced by G.
Protein change: p.Lys142=; no amino-acid change (lysine 142 retained).
Molecular consequence: synonymous variant.
Genome position (GRCh38, 1-based): chrX:47,607,150, T>C on the plus strand (A>G on the coding strand, the complement: SYN1 is on the minus strand). VCF-style: chrX-47607150-T-C. GRCh37 (hg19) VCF-style: chrX-47466549-T-C.
Other names: p.K142K:AAA>AAG; c.426A>G, p.Lys142= (NM_133499.2).
Identifiers: ClinVar variation 207459 (VCV000207459.21), dbSNP rs145911562, ClinGen allele CA318922.